The following is an entry in ClinVar:

ClinVar aggregate classification (germline): Uncertain significance (1 of 4 stars; one submission).

Submission:

Labcorp Genetics (formerly Invitae), Labcorp
Classification: Uncertain significance. Last evaluated: 2022-01-19. Review status: criteria provided, single submitter. Criteria: Invitae Variant Classification Sherloc (09022015). Collection method: clinical testing. Allele origin: germline.
Comment: This variant, c.55_75del, results in the deletion of 7 amino acid(s) of the TBX4 protein (p.Pro19_Ser25del), but otherwise preserves the integrity of the reading frame. This variant is present in population databases (no rsID available, gnomAD 0.002%). This variant has not been reported in the literature in individuals affected with TBX4-related conditions. Experimental studies and prediction algorithms are not available or were not evaluated, and the functional significance of this variant is currently unknown. In summary, the available evidence is currently insufficient to determine the role of this variant in disease. Therefore, it has been classified as a Variant of Uncertain Significance.

NM_001321120.2(TBX4):c.55_75del (p.Pro19_Ser25del)

Gene: TBX4 (T-box transcription factor 4; plus strand). Cytogenetic location: 17q23.2.
Variant type: Deletion.
Coding change: c.55_75del on transcript NM_001321120.2 (MANE Select); coding-DNA positions 55 to 75, 21 bases deleted (CCAGCGCTCGGAGAGGCCAGC).
Protein change: p.Pro19_Ser25del.
Molecular consequence: inframe deletion.
Genome position (GRCh38, 1-based): chr17:61,456,545-61,456,565, CCAGCGCTCGGAGAGGCCAGC deleted; deleting any 21 consecutive bases within chr17:61,456,543-61,456,565 gives the same sequence; the c. name uses the placement nearest the transcript's 3' end. VCF-style (leftmost placement, unchanged base first): chr17-61456542-GGCCCAGCGCTCGGAGAGGCCA-G. GRCh37 (hg19) VCF-style: chr17-59533903-GGCCCAGCGCTCGGAGAGGCCA-G.
Other names: c.55_75del, p.Pro19_Ser25del (NM_018488.3).
Identifiers: ClinVar variation 1959718 (VCV001959718.5), dbSNP rs1456954040, ClinGen allele CA627146398.